The following is an entry in ClinVar:

NM_015629.4(PRPF31):c.*8C>T

Gene: PRPF31 (pre-mRNA processing factor 31; plus strand). Cytogenetic location: 19q13.42.
Variant type: single nucleotide variant.
Coding change: c.*8C>T on transcript NM_015629.4 (MANE Select); 8 bases downstream of the stop codon, C replaced by T.
Molecular consequence: 3 prime UTR variant.
Genome position (GRCh38, 1-based): chr19:54,131,440, C>T. VCF-style: chr19-54131440-C-T. GRCh37 (hg19) VCF-style: chr19-54634871-C-T.
Other names: c.*8C>T (NM_015629.3).
Identifiers: ClinVar variation 4943881 (VCV004943881.2).
Genomic context (GRCh38, chr19:54,131,440, plus strand): 5'-TGGCTGAGTTCCTCAAGGTCAAGGGCGAGAAGAGTGGCCTTATGTCCACCTGAATGACTG[C>T]GTGTGTCCAAGGTGGCTTCCCACTGAAGGGACACAGAGGTCCAGTCCTTCTGAAGGGCTA-3'

ClinVar aggregate classification (germline): Likely benign. Review status: criteria provided, multiple submitters, no conflicts (2 of 4 stars). 2 submissions from 2 submitters: Likely benign (2). Last evaluated 2025-09-04.

Conditions:
PRPF31-related disorder. Also called: PRPF31-related condition.

gnomAD v4.1: 43 of 1,613,884 alleles (0.0027%); highest among the groups gnomAD compares: Middle Eastern, 0.016%; no homozygotes.

Submissions (2):

PreventionGenetics, part of Exact Sciences
Classification: Likely benign for PRPF31-related condition. Last evaluated: 2025-09-04. Review status: criteria provided, single submitter. Criteria: ACMG Guidelines, 2015. Collection method: clinical testing. Allele origin: germline.
Comment: This variant is classified as likely benign based on ACMG/AMP sequence variant interpretation guidelines (Richards et al. 2015 PMID: 25741868, with internal and published modifications).

Blueprint Genetics
Classification: Likely benign. Last evaluated: 2024-07-10. Review status: criteria provided, single submitter. Criteria: ACMG Guidelines, 2015. Collection method: clinical testing. Allele origin: germline.